The following is an entry in ClinVar:

NM_001793.6(CDH3):c.1082C>T (p.Ala361Val)

Gene: CDH3 (cadherin 3; plus strand). Cytogenetic location: 16q22.1.
Variant type: single nucleotide variant.
Coding change: c.1082C>T on transcript NM_001793.6 (MANE Select); coding-DNA position 1082, C replaced by T.
Protein change: p.Ala361Val; replaces alanine 361 with valine.
Molecular consequence: missense variant.
Genome position (GRCh38, 1-based): chr16:68,682,387, C>T. VCF-style: chr16-68682387-C-T. GRCh37 (hg19) VCF-style: chr16-68716290-C-T.
Other names: c.1082C>T (NM_001793.4); c.1082C>T, p.Ala361Val (NM_001317195.3); c.917C>T, p.Ala306Val (NM_001317196.2); short protein forms A306V, A361V.
Identifiers: ClinVar variation 1053451 (VCV001053451.8), dbSNP rs767479323, ClinGen allele CA8129248.

ClinVar aggregate classification (germline): Uncertain significance. Review status: criteria provided, multiple submitters, no conflicts (2 of 4 stars). 2 submissions from 2 submitters: Uncertain significance (2). Last evaluated 2025-06-03.

Conditions:
Inborn genetic diseases. Identifiers: MedGen C0950123, MeSH D030342.

Allele frequency attached by ClinVar (database versions not stated): TOPMed below 0.00001; gnomAD 0.00001; gnomAD exomes 0.00001; ExAC 0.00002.
gnomAD v4.1: 15 of 1,613,932 alleles (0.00093%); highest among the groups gnomAD compares: East Asian, 0.0022%; no homozygotes.

Submissions (2):

Ambry Genetics
Classification: Uncertain significance for Inborn genetic diseases. Last evaluated: 2025-06-03. Review status: criteria provided, single submitter. Criteria: Ambry Variant Classification Scheme 2023. Collection method: clinical testing. Allele origin: germline.

Labcorp Genetics (formerly Invitae), Labcorp
Classification: Uncertain significance. Last evaluated: 2020-02-03. Review status: criteria provided, single submitter. Criteria: Invitae Variant Classification Sherloc (09022015). Collection method: clinical testing. Allele origin: germline.
Comment: This variant is present in population databases (rs767479323, ExAC 0.003%). This sequence change replaces alanine with valine at codon 361 of the CDH3 protein (p.Ala361Val). The alanine residue is highly conserved and there is a small physicochemical difference between alanine and valine. This variant has not been reported in the literature in individuals with CDH3-related conditions. In summary, the available evidence is currently insufficient to determine the role of this variant in disease. Therefore, it has been classified as a Variant of Uncertain Significance. Algorithms developed to predict the effect of missense changes on protein structure and function are either unavailable or do not agree on the potential impact of this missense change (SIFT: "Not Available"; PolyPhen-2: "Probably Damaging"; Align-GVGD: "Not Available").